The following is an entry in ClinVar:

NM_000141.5(FGFR2):c.1083A>T (p.Pro361=)

Gene: FGFR2 (fibroblast growth factor receptor 2; minus strand). Cytogenetic location: 10q26.13.
Variant type: single nucleotide variant.
Coding change: c.1083A>T on transcript NM_000141.5 (MANE Select); coding-DNA position 1083, A replaced by T.
Protein change: p.Pro361=; no amino-acid change (proline 361 retained).
Molecular consequence: synonymous variant. On other transcripts: non-coding transcript variant (1), intron variant (5).
Genome position (GRCh38, 1-based): chr10:121,517,320, T>A on the plus strand (A>T on the coding strand, the complement: FGFR2 is on the minus strand). VCF-style: chr10-121517320-T-A. GRCh37 (hg19) VCF-style: chr10-123276834-T-A.
Other names: c.738A>T, p.Pro246= (NM_001144918.2, NM_001144916.2); c.399A>T, p.Pro133= (NM_001320654.2); c.1083A>T, p.Pro361= (NM_001320658.2); c.816A>T, p.Pro272= (NM_023029.3, NM_001144915.2); c.749-2001A>T (NM_001144914.1); c.939+2659A>T (NM_001144917.2); c.1087+1362A>T (NM_022970.4, NM_001144913.1); c.820+1362A>T (NM_001144919.2).
Identifiers: ClinVar variation 2735494 (VCV002735494.3), dbSNP rs2540045968, ClinGen allele CA2695212872.

ClinVar aggregate classification (germline): Pathogenic (1 of 4 stars; one submission).

Conditions:
FGFR2-related craniosynostosis. Identifiers: MedGen CN231480.

Submission:

Labcorp Genetics (formerly Invitae), Labcorp
Classification: Pathogenic for FGFR2-related craniosynostosis. Last evaluated: 2023-06-03. Review status: criteria provided, single submitter. Criteria: Invitae Variant Classification Sherloc (09022015). Collection method: clinical testing. Allele origin: germline.
Comment: This sequence change affects codon 361 of the FGFR2 mRNA. It is a 'silent' change, meaning that it does not change the encoded amino acid sequence of the FGFR2 protein. It affects a nucleotide within the consensus splice site. This variant is not present in population databases (gnomAD no frequency). This variant has been observed in individual(s) with Crouzon syndrome (PMID: 25174698). It has also been observed to segregate with disease in related individuals. Studies have shown that this variant is associated with altered splicing resulting in multiple RNA products (PMID: 25174698). For these reasons, this variant has been classified as Pathogenic.

Literature cited by the submitters: PubMed 25174698.